The following is an entry in ClinVar:

ClinVar aggregate classification (germline): Uncertain significance (1 of 4 stars; one submission).

Conditions:
Developmental and epileptic encephalopathy, 1 (DEE1). Also called: OHTAHARA SYNDROME, X-LINKED; Epileptic encephalopathy, early infantile, 1; X-linked infantile spasms; West's syndrome; Tonic spasms with clustering, arrest of psychomotor development and hypsarrhythmia on EEG; X-Linked Infantile Spasm Syndrome. Identifiers: MedGen C3463992, MONDO:0010632, OMIM 308350. Disease mechanism: loss of function.
Intellectual disability, X-linked, with or without seizures, ARX-related. Also called: Mental retardation, X-linked 52; INTELLECTUAL DEVELOPMENTAL DISORDER, X-LINKED 29; MENTAL RETARDATION, X-LINKED 29; MENTAL RETARDATION, X-LINKED 32; MENTAL RETARDATION, X-LINKED 33; MENTAL RETARDATION, X-LINKED 38. Identifiers: Orphanet 777, MedGen C0796244, MONDO:0010317, OMIM 300419.

Submission:

Labcorp Genetics (formerly Invitae), Labcorp
Classification: Uncertain significance for Developmental and epileptic encephalopathy, 1; Intellectual disability, X-linked, with or without seizures, ARX-related. Last evaluated: 2022-01-15. Review status: criteria provided, single submitter. Criteria: Invitae Variant Classification Sherloc (09022015). Collection method: clinical testing. Allele origin: germline.
Comment: This variant, c.702_764del, results in the deletion of 21 amino acid(s) of the ARX protein (p.Glu234_Asp254del), but otherwise preserves the integrity of the reading frame. This variant is not present in population databases (gnomAD no frequency). This variant has not been reported in the literature in individuals affected with ARX-related conditions. ClinVar contains an entry for this variant (Variation ID: 540221). Experimental studies and prediction algorithms are not available or were not evaluated, and the functional significance of this variant is currently unknown. In summary, the available evidence is currently insufficient to determine the role of this variant in disease. Therefore, it has been classified as a Variant of Uncertain Significance.

NM_139058.3(ARX):c.702_764del (p.Glu234_Asp254del)

Gene: ARX (aristaless related homeobox; minus strand). Cytogenetic location: Xp21.3.
Variant type: Deletion.
Coding change: c.702_764del on transcript NM_139058.3 (MANE Select); coding-DNA positions 702 to 764, 63 bases deleted.
Protein change: p.Glu234_Asp254del.
Molecular consequence: inframe deletion.
Genome position (GRCh38, 1-based): chrX:25,013,231-25,013,293, 63 bases deleted. GRCh37 (hg19): chrX:25,031,380-25,031,442.
Identifiers: ClinVar variation 540221 (VCV000540221.6), dbSNP rs1556055511, ClinGen allele CA658799627.